The following is an entry in ClinVar:

ClinVar aggregate classification (germline): Benign/Likely benign. Review status: criteria provided, multiple submitters, no conflicts (2 of 4 stars). 5 submissions from 5 submitters: Benign (1); Likely benign (4). Last evaluated 2025-11-17.

Conditions:
Early-infantile DEE. Also called: Early infantile epileptic encephalopathy; Ohtahara syndrome; Early infantile epileptic encephalopathy with suppression bursts. Identifiers: Orphanet 1934, MedGen C0393706, MONDO:0800491.
Inborn genetic diseases. Identifiers: MedGen C0950123, MeSH D030342.

Allele frequency attached by ClinVar (database versions not stated): gnomAD exomes 0.00008 and 0.00021; TOPMed 0.00010; ExAC 0.00012; gnomAD 0.00013 and 0.00015; ESP Exome Variant Server 0.00008.
gnomAD v4.1: 147 of 1,607,396 alleles (0.0091%); highest among the groups gnomAD compares: Middle Eastern, 0.016%; no homozygotes.

Submissions (5):

Labcorp Genetics (formerly Invitae), Labcorp
Classification: Likely benign for Early-infantile DEE. Last evaluated: 2025-11-17. Review status: criteria provided, single submitter. Criteria: Invitae Variant Classification Sherloc (09022015). Collection method: clinical testing. Allele origin: germline.

CeGaT Center for Human Genetics Tuebingen
Classification: Likely benign. Last evaluated: 2023-09-01. Review status: criteria provided, single submitter. Criteria: CeGaT Center For Human Genetics Tuebingen Variant Classification Criteria Version 2. Collection method: clinical testing. Allele origin: germline. Affected: yes. Observed: 1 variant allele.
Comment: KCNQ2: BS1

GeneDx
Classification: Benign. Last evaluated: 2019-11-26. Review status: criteria provided, single submitter. Criteria: GeneDx Variant Classification Process June 2021. Collection method: clinical testing. Allele origin: germline. Affected: yes.

Ambry Genetics
Classification: Likely benign for Inborn genetic diseases. Last evaluated: 2018-09-21. Review status: criteria provided, single submitter. Criteria: Ambry Variant Classification Scheme 2023. Collection method: clinical testing. Allele origin: germline.

Breakthrough Genomics
Classification: Likely benign. Review status: criteria provided, single submitter. Criteria: ACMG Guidelines, 2015. Collection method: not provided. Allele origin: germline. Inheritance: Autosomal dominant inheritance. Affected: yes.

Literature cited by the submitters: PubMed 29358611 (cited by Ambry Genetics).

NM_172107.4(KCNQ2):c.1832C>T (p.Ala611Val)

Gene: KCNQ2 (potassium voltage-gated channel subfamily Q member 2; minus strand). Cytogenetic location: 20q13.33.
Variant type: single nucleotide variant.
Coding change: c.1832C>T on transcript NM_172107.4 (MANE Select); coding-DNA position 1832, C replaced by T.
Protein change: p.Ala611Val; replaces alanine 611 with valine.
Molecular consequence: missense variant.
Genome position (GRCh38, 1-based): chr20:63,408,468, G>A on the plus strand (C>T on the coding strand, the complement: KCNQ2 is on the minus strand). VCF-style: chr20-63408468-G-A. GRCh37 (hg19) VCF-style: chr20-62039821-G-A.
Other names: p.A611V:GCG>GTG; c.1886C>T, p.Ala629Val (NM_001382235.1); c.1775C>T, p.Ala592Val (NM_001439003.1); c.1745C>T, p.Ala582Val (NM_001439004.1); c.1748C>T, p.Ala583Val (NM_004518.6); c.1778C>T, p.Ala593Val (NM_172106.3); c.1739C>T, p.Ala580Val (NM_172108.5); short protein forms A611V, A583V, A593V, A580V, A629V, A582V, A592V.
Identifiers: ClinVar variation 205847 (VCV000205847.40), dbSNP rs199644682, ClinGen allele CA315309.
Genomic context (GRCh38, chr20:63,408,468, plus strand): 5'-CGCACCTGCTTCTCCACCTTCCCGAGCCGTCCCATCATGCTGGGGTCCTCGGGCAGCTCC[G>A]CCTCGGCCGGGCCCTTGGTGCGGTCCTTGTCCGTGATCGCTGGGCCCCGCCCCACGATCT-3'
Protein context (NP_742105.1, residues 601-621): DKDRTKGPAE[Ala611Val]ELPEDPSMMG